The following is an entry in ClinVar:

ClinVar aggregate classification (germline): Uncertain significance (1 of 4 stars; one submission).

Conditions:
Cardiovascular phenotype. Identifiers: MedGen CN230736.

gnomAD v4.1: 1 of 1,614,202 alleles (0.000062%); highest among the groups gnomAD compares: Admixed American, 0.0017%; no homozygotes.

Submission:

Ambry Genetics
Classification: Uncertain significance for Cardiovascular phenotype. Last evaluated: 2024-04-04. Review status: criteria provided, single submitter. Criteria: Ambry Variant Classification Scheme 2023. Collection method: clinical testing. Allele origin: germline.
Comment: The p.A129V variant (also known as c.386C>T), located in coding exon 3 of the CSRP3 gene, results from a C to T substitution at nucleotide position 386. The alanine at codon 129 is replaced by valine, an amino acid with similar properties. This amino acid position is highly conserved in available vertebrate species. In addition, this alteration is predicted to be deleterious by in silico analysis. Based on the available evidence, the clinical significance of this alteration remains unclear.

NM_003476.5(CSRP3):c.386C>T (p.Ala129Val)

Gene: CSRP3 (cysteine and glycine rich protein 3; minus strand). Cytogenetic location: 11p15.1.
Variant type: single nucleotide variant.
Coding change: c.386C>T on transcript NM_003476.5 (MANE Select); coding-DNA position 386, C replaced by T.
Protein change: p.Ala129Val; replaces alanine 129 with valine.
Molecular consequence: missense variant. On other transcripts: synonymous variant (1).
Genome position (GRCh38, 1-based): chr11:19,186,244, G>A on the plus strand (C>T on the coding strand, the complement: CSRP3 is on the minus strand). VCF-style: chr11-19186244-G-A. GRCh37 (hg19) VCF-style: chr11-19207791-G-A.
Other names: c.217C>T, p.Leu73= (NM_001369404.1); short protein forms A129V.
Identifiers: ClinVar variation 3269949 (VCV003269949.1).